The following is an entry in ClinVar:

ClinVar aggregate classification (germline): Uncertain significance. Review status: criteria provided, multiple submitters, no conflicts (2 of 4 stars). 2 submissions from 2 submitters: Uncertain significance (2). Last evaluated 2026-01-06.

Allele frequency attached by ClinVar (database versions not stated): ExAC 0.00002; gnomAD 0.00002 and 0.00003; gnomAD exomes 0.00002 and 0.00003; TOPMed 0.00004; ESP Exome Variant Server 0.00008; 1000 Genomes Project 0.00040; 1000 Genomes Project 30x 0.00047.
gnomAD v4.1: 49 of 1,614,168 alleles (0.003%); highest among the groups gnomAD compares: African/African-American, 0.0067%; no homozygotes.

Submissions (2):

Labcorp Genetics (formerly Invitae), Labcorp
Classification: Uncertain significance. Last evaluated: 2026-01-06. Review status: criteria provided, single submitter. Criteria: Invitae Variant Classification Sherloc (09022015). Collection method: clinical testing. Allele origin: germline.
Comment: This sequence change replaces isoleucine, which is neutral and non-polar, with threonine, which is neutral and polar, at codon 724 of the MYLK3 protein (p.Ile724Thr). This variant is present in population databases (rs200515683, gnomAD 0.005%). This variant has not been reported in the literature in individuals affected with MYLK3-related conditions. ClinVar contains an entry for this variant (Variation ID: 1524580). An algorithm developed to predict the effect of missense changes on protein structure and function (PolyPhen-2) suggests that this variant is likely to be disruptive. In summary, the available evidence is currently insufficient to determine the role of this variant in disease. Therefore, it has been classified as a Variant of Uncertain Significance.

Ambry Genetics
Classification: Uncertain significance. Last evaluated: 2024-06-18. Review status: criteria provided, single submitter. Criteria: Ambry Variant Classification Scheme 2023. Collection method: clinical testing. Allele origin: germline.

NM_182493.3(MYLK3):c.2171T>C (p.Ile724Thr)

Gene: MYLK3 (myosin light chain kinase 3; minus strand). Cytogenetic location: 16q11.2.
Variant type: single nucleotide variant.
Coding change: c.2171T>C on transcript NM_182493.3 (MANE Select); coding-DNA position 2171, T replaced by C.
Protein change: p.Ile724Thr; replaces isoleucine 724 with threonine.
Molecular consequence: missense variant.
Genome position (GRCh38, 1-based): chr16:46,710,733, A>G on the plus strand (T>C on the coding strand, the complement: MYLK3 is on the minus strand). VCF-style: chr16-46710733-A-G. GRCh37 (hg19) VCF-style: chr16-46744645-A-G.
Other names: c.1148T>C, p.Ile383Thr (NM_001308301.1); c.2171T>C (NM_182493.2); short protein forms I724T, I383T.
Identifiers: ClinVar variation 1524580 (VCV001524580.10), dbSNP rs200515683, ClinGen allele CA8037660.